The following is an entry in ClinVar:

NM_032578.4(MYPN):c.1906G>A (p.Ala636Thr)

Gene: MYPN (myopalladin; plus strand). Cytogenetic location: 10q21.3.
Variant type: single nucleotide variant.
Coding change: c.1906G>A on transcript NM_032578.4 (MANE Select); coding-DNA position 1906, G replaced by A.
Protein change: p.Ala636Thr; replaces alanine 636 with threonine.
Molecular consequence: missense variant. On other transcripts: non-coding transcript variant (2).
Genome position (GRCh38, 1-based): chr10:68,166,599, G>A. VCF-style: chr10-68166599-G-A. GRCh37 (hg19) VCF-style: chr10-69926356-G-A.
Other names: c.1906G>A, p.Ala636Thr (NM_001256267.2); c.1024G>A, p.Ala342Thr (NM_001256268.2); short protein forms A342T, A636T.
Identifiers: ClinVar variation 1782397 (VCV001782397.2), dbSNP rs796999503, ClinGen allele CA208192990.

ClinVar aggregate classification (germline): Uncertain significance (1 of 4 stars; one submission).

Conditions:
Cardiovascular phenotype. Identifiers: MedGen CN230736.

Submission:

Ambry Genetics
Classification: Uncertain significance for Cardiovascular phenotype. Last evaluated: 2021-04-06. Review status: criteria provided, single submitter. Criteria: Ambry Variant Classification Scheme 2023. Collection method: clinical testing. Allele origin: germline.
Comment: The p.A636T variant (also known as c.1906G>A), located in coding exon 9 of the MYPN gene, results from a G to A substitution at nucleotide position 1906. The alanine at codon 636 is replaced by threonine, an amino acid with similar properties. This amino acid position is not well conserved in available vertebrate species, and threonine is the reference amino acid in other vertebrate species. In addition, this alteration is predicted to be tolerated by in silico analysis. Since supporting evidence is limited at this time, the clinical significance of this alteration remains unclear.